The following is an entry in ClinVar:

ClinVar aggregate classification (germline): Uncertain significance. Review status: criteria provided, multiple submitters, no conflicts (2 of 4 stars). 2 submissions from 2 submitters: Uncertain significance (2). Last evaluated 2025-11-16.

Conditions:
Inborn genetic diseases. Identifiers: MedGen C0950123, MeSH D030342.

Allele frequency attached by ClinVar (database versions not stated): gnomAD exomes 0.00001 and 0.00004; ExAC 0.00002; gnomAD 0.00002 and 0.00003; TOPMed 0.00003; ESP Exome Variant Server 0.00008.
gnomAD v4.1: 25 of 1,606,570 alleles (0.0016%); highest among the groups gnomAD compares: Middle Eastern, 0.017%; no homozygotes.

Submissions (2):

Labcorp Genetics (formerly Invitae), Labcorp
Classification: Uncertain significance. Last evaluated: 2025-11-16. Review status: criteria provided, single submitter. Criteria: Invitae Variant Classification Sherloc (09022015). Collection method: clinical testing. Allele origin: germline.
Comment: This sequence change replaces arginine, which is basic and polar, with glutamine, which is neutral and polar, at codon 289 of the UNC45A protein (p.Arg289Gln). This variant is present in population databases (rs368280300, gnomAD 0.02%). This variant has not been reported in the literature in individuals affected with UNC45A-related conditions. ClinVar contains an entry for this variant (Variation ID: 1022874). Invitae Evidence Modeling of protein sequence and biophysical properties (such as structural, functional, and spatial information, amino acid conservation, physicochemical variation, residue mobility, and thermodynamic stability) indicates that this missense variant is not expected to disrupt UNC45A protein function with a negative predictive value of 80%. In summary, the available evidence is currently insufficient to determine the role of this variant in disease. Therefore, it has been classified as a Variant of Uncertain Significance.

Ambry Genetics
Classification: Uncertain significance for Inborn genetic diseases. Last evaluated: 2022-05-10. Review status: criteria provided, single submitter. Criteria: Ambry Variant Classification Scheme 2023. Collection method: clinical testing. Allele origin: germline.

NM_018671.5(UNC45A):c.866G>A (p.Arg289Gln)

Gene: UNC45A (unc-45 myosin chaperone A; plus strand). Cytogenetic location: 15q26.1.
Variant type: single nucleotide variant.
Coding change: c.866G>A on transcript NM_018671.5 (MANE Select); coding-DNA position 866, G replaced by A.
Protein change: p.Arg289Gln; replaces arginine 289 with glutamine.
Molecular consequence: missense variant.
Genome position (GRCh38, 1-based): chr15:90,942,921, G>A. VCF-style: chr15-90942921-G-A. GRCh37 (hg19) VCF-style: chr15-91486151-G-A.
Other names: c.866G>A (NM_018671.3); c.821G>A, p.Arg274Gln (NM_001039675.2, NM_001323621.2); c.866G>A, p.Arg289Gln (NM_001323619.1); c.431G>A, p.Arg144Gln (NM_001323620.2); short protein forms R144Q, R274Q, R289Q.
Identifiers: ClinVar variation 1022874 (VCV001022874.7), dbSNP rs368280300, ClinGen allele CA7742714.
Genomic context (GRCh38, chr15:90,942,921, plus strand): 5'-AACTGGGCTGGGCTGCTGTGGAGCCCACTGATGTCTTCTTGTTGTTGCCAGATCCTGCCC[G>A]GGAGCTGAAGGTCCTCATCAGTAACCTCTTAGATCTGCTGACAGAGGTGGGGGTCTCTGG-3'
Protein context (NP_061141.2, residues 279-299): KEGAIIVDPA[Arg289Gln]ELKVLISNLL